The following is an entry in ClinVar:

NM_198129.4(LAMA3):c.7348G>A (p.Gly2450Ser)

Gene: LAMA3 (laminin subunit alpha 3; plus strand). Cytogenetic location: 18q11.2.
Variant type: single nucleotide variant.
Coding change: c.7348G>A on transcript NM_198129.4 (MANE Select); coding-DNA position 7348, G replaced by A.
Protein change: p.Gly2450Ser; replaces glycine 2450 with serine.
Molecular consequence: missense variant.
Genome position (GRCh38, 1-based): chr18:23,914,428, G>A. VCF-style: chr18-23914428-G-A. GRCh37 (hg19) VCF-style: chr18-21494392-G-A.
Other names: c.2521G>A, p.Gly841Ser (NM_000227.6); c.7180G>A, p.Gly2394Ser (NM_001127717.4); c.2353G>A, p.Gly785Ser (NM_001127718.4); short protein forms G2394S, G2450S, G785S, G841S.
Identifiers: ClinVar variation 3342351 (VCV003342351.2).

ClinVar aggregate classification (germline): Uncertain significance (1 of 4 stars; one submission).

gnomAD v4.1: 16 of 1,614,008 alleles (0.00099%); highest among the groups gnomAD compares: Admixed American, 0.0067%; no homozygotes.

Submission:

GeneDx
Classification: Uncertain significance. Last evaluated: 2026-02-02. Review status: criteria provided, single submitter. Criteria: GeneDx Variant Classification Process June 2021. Collection method: clinical testing. Allele origin: germline.
Comment: Has not been previously published as pathogenic or benign to our knowledge; In silico analysis supports that this missense variant has a deleterious effect on protein structure/function